The following is an entry in ClinVar:

ClinVar aggregate classification (germline): Uncertain significance (1 of 4 stars; one submission).

Conditions:
TBX3-related disorder. Also called: TBX3-related condition.

Submission:

PreventionGenetics, part of Exact Sciences
Classification: Uncertain significance for TBX3-related condition. Last evaluated: 2024-12-26. Review status: criteria provided, single submitter. Criteria: ACMG Guidelines, 2015. Collection method: clinical testing. Allele origin: germline.
Comment: The TBX3 c.1726G>A variant is predicted to result in the amino acid substitution p.Ala576Thr. To our knowledge, this variant has not been reported in the literature. This variant is reported in 0.0% of alleles in individuals of African descent in gnomAD. At this time, the clinical significance of this variant is uncertain due to the absence of conclusive functional and genetic evidence.

NM_005996.4(TBX3):c.1666G>A (p.Ala556Thr)

Gene: TBX3 (T-box transcription factor 3; minus strand). Cytogenetic location: 12q24.21.
Variant type: single nucleotide variant.
Coding change: c.1666G>A on transcript NM_005996.4 (MANE Select); coding-DNA position 1666, G replaced by A.
Protein change: p.Ala556Thr; replaces alanine 556 with threonine.
Molecular consequence: missense variant.
Genome position (GRCh38, 1-based): chr12:114,674,209, C>T on the plus strand (G>A on the coding strand, the complement: TBX3 is on the minus strand). VCF-style: chr12-114674209-C-T. GRCh37 (hg19) VCF-style: chr12-115112014-C-T.
Other names: c.1726G>A, p.Ala576Thr (NM_016569.4); short protein forms A556T, A576T.
Identifiers: ClinVar variation 4998456 (VCV004998456.1).